The following is an entry in ClinVar:

NM_000158.4(GBE1):c.1519A>G (p.Thr507Ala)

Gene: GBE1 (1,4-alpha-glucan branching enzyme 1; minus strand). Cytogenetic location: 3p12.2.
Variant type: single nucleotide variant.
Coding change: c.1519A>G on transcript NM_000158.4 (MANE Select); coding-DNA position 1519, A replaced by G.
Protein change: p.Thr507Ala; replaces threonine 507 with alanine.
Molecular consequence: missense variant.
Genome position (GRCh38, 1-based): chr3:81,578,024, T>C on the plus strand (A>G on the coding strand, the complement: GBE1 is on the minus strand). VCF-style: chr3-81578024-T-C. GRCh37 (hg19) VCF-style: chr3-81627175-T-C.
Other names: short protein forms T507A.
Identifiers: ClinVar variation 255383 (VCV000255383.25), dbSNP rs2228389, ClinGen allele CA2499634.

ClinVar aggregate classification (germline): Benign. Review status: criteria provided, multiple submitters, no conflicts (2 of 4 stars). 12 submissions from 11 submitters: Benign (7). 5 of the submissions do not count toward it. Last evaluated 2026-02-04.

Conditions:
Glycogen storage disease, type IV (GSD4). Also called: Glycogen storage disease due to glycogen branching enzyme deficiency; GBE1 DEFICIENCY; GLYCOGEN BRANCHING ENZYME DEFICIENCY; GLYCOGENOSIS IV; GSD IV; AMYLOPECTINOSIS. Identifiers: Orphanet 367, MedGen C0017923, MONDO:0009292, OMIM 232500.
Glycogen storage disease IV, classic hepatic. Also called: GSD IV, CLASSIC HEPATIC. Identifiers: MedGen C1856301.
Adult polyglucosan body disease (APBN). Also called: POLYGLUCOSAN BODY DISEASE, ADULT FORM; GBE1-Adult Polyglucosan Body Disease. Identifiers: Orphanet 206583, MedGen C1849722, MONDO:0009897, OMIM 263570.

Allele frequency attached by ClinVar (database versions not stated): gnomAD exomes 0.04200; ExAC 0.04853; ESP Exome Variant Server 0.05383; gnomAD 0.06525 and 0.06703; TOPMed 0.06996; 1000 Genomes Project 0.07608; 1000 Genomes Project 30x 0.07901.
gnomAD v4.1: 58,607 of 1,609,436 alleles (3.6%); highest among the groups gnomAD compares: African/African-American, 14%; 1,845 homozygotes.

Submissions (12):

Labcorp Genetics (formerly Invitae), Labcorp
Classification: Benign for Glycogen storage disease, type IV; Glycogen storage disease IV, classic hepatic. Last evaluated: 2026-02-04. Review status: criteria provided, single submitter. Criteria: Invitae Variant Classification Sherloc (09022015). Collection method: clinical testing. Allele origin: germline.

Blueprint Genetics
Classification: Benign. Last evaluated: 2024-11-26. Review status: criteria provided, single submitter. Criteria: ACMG Guidelines, 2015. Collection method: clinical testing. Allele origin: germline.

Illumina Laboratory Services, Illumina
Classification: Benign for Glycogen storage disease, type IV. Last evaluated: 2018-01-12. Review status: criteria provided, single submitter. Criteria: ICSL Variant Classification Criteria 13 December 2019. Collection method: clinical testing. Allele origin: germline.
Comment: This variant was observed in the ICSL laboratory as part of a predisposition screen in an ostensibly healthy population. It had not been previously curated by ICSL or reported in the Human Gene Mutation Database (HGMD: prior to June 1st, 2018), and was therefore a candidate for classification through an automated scoring system. Utilizing variant allele frequency, disease prevalence and penetrance estimates, and inheritance mode, an automated score was calculated to assess if this variant is too frequent to cause the disease. Based on the score and internal cut-off values, a variant classified as benign is not then subjected to further curation. The score for this variant resulted in a classification of benign for this disease.

Illumina Laboratory Services, Illumina
Classification: Benign for Adult polyglucosan body disease. Last evaluated: 2018-01-12. Review status: criteria provided, single submitter. Criteria: ICSL Variant Classification Criteria 13 December 2019. Collection method: clinical testing. Allele origin: germline.
Comment: the same text as in the submission from Illumina Laboratory Services, Illumina above.

GeneDx
Classification: Benign. Last evaluated: 2016-01-22. Review status: criteria provided, single submitter. Criteria: GeneDx Variant Classification (06012015). Collection method: clinical testing. Allele origin: germline. Affected: yes.
Comment: This variant is considered likely benign or benign based on one or more of the following criteria: it is a conservative change, it occurs at a poorly conserved position in the protein, it is predicted to be benign by multiple in silico algorithms, and/or has population frequency not consistent with disease.

Breakthrough Genomics
Classification: Benign. Review status: criteria provided, single submitter. Criteria: ACMG Guidelines, 2015. Collection method: not provided. Allele origin: germline. Inheritance: Autosomal recessive inheritance. Affected: yes.

PreventionGenetics, part of Exact Sciences
Classification: Benign. Review status: criteria provided, single submitter. Criteria: ACMG Guidelines, 2015. Collection method: clinical testing. Allele origin: germline.

Natera, Inc.
Classification: Benign for Glycogen storage disease type IV. Last evaluated: 2020-09-16. Review status: no assertion criteria provided. Collection method: clinical testing. Allele origin: germline. Not counted in ClinVar's aggregate classification.

Mayo Clinic Laboratories, Mayo Clinic
Classification: Benign. Last evaluated: 2017-03-13. Review status: no assertion criteria provided. Collection method: clinical testing. Allele origin: unknown. Not counted in ClinVar's aggregate classification.

Clinical Genetics, Academic Medical Center
Classification: Benign. Review status: no assertion criteria provided. Collection method: clinical testing. Allele origin: germline. Affected: yes. Study: VKGL Data-share Consensus. Not counted in ClinVar's aggregate classification.

Joint Genome Diagnostic Labs from Nijmegen and Maastricht, Radboudumc and MUMC+
Classification: Benign. Review status: no assertion criteria provided. Collection method: clinical testing. Allele origin: germline. Affected: yes. Study: VKGL Data-share Consensus. Not counted in ClinVar's aggregate classification.

Laboratory of Diagnostic Genome Analysis, Leiden University Medical Center (LUMC)
Classification: Benign. Review status: no assertion criteria provided. Collection method: clinical testing. Allele origin: germline. Affected: yes. Study: VKGL Data-share Consensus. Not counted in ClinVar's aggregate classification.